The following is an entry in ClinVar:

NM_024496.4(IRF2BPL):c.379C>T (p.Gln127Ter)

Gene: IRF2BPL (interferon regulatory factor 2 binding protein like; minus strand). Cytogenetic location: 14q24.3.
Variant type: single nucleotide variant.
Coding change: c.379C>T on transcript NM_024496.4 (MANE Select); coding-DNA position 379, C replaced by T.
Protein change: p.Gln127Ter; replaces glutamine 127 with a stop codon.
Molecular consequence: nonsense.
Genome position (GRCh38, 1-based): chr14:77,027,414, G>A on the plus strand (C>T on the coding strand, the complement: IRF2BPL is on the minus strand). VCF-style: chr14-77027414-G-A. GRCh37 (hg19) VCF-style: chr14-77493757-G-A.
Other names: short protein forms Q127*.
Identifiers: ClinVar variation 559609 (VCV000559609.4), dbSNP rs1292724234, ClinGen allele CA390499514.

ClinVar aggregate classification (germline): Likely pathogenic. Review status: criteria provided, single submitter (1 of 4 stars). 2 submissions from 2 submitters: Likely pathogenic (1). 1 of the submissions does not count toward it. Last evaluated 2019-06-08.

Conditions:
Neurodevelopmental disorder with regression, abnormal movements, loss of speech, and seizures. Identifiers: Orphanet 597623, MedGen C4748127, MONDO:0060759, OMIM 618088.

Submissions (2):

New York Genome Center
Classification: Likely pathogenic for Neurodevelopmental disorder with regression, abnormal movements, loss of speech, and seizures. Last evaluated: 2019-06-08. Review status: criteria provided, single submitter. Criteria: NYGC Assertion Criteria 2020. Collection method: clinical testing. Allele origin: germline. Affected: yes. Observed: 1 heterozygote. Study: CSER-NYCKidSeq.
Comment: The c.379C>T (p.Gln127Ter) variant identified in the IRF2BPL gene leads to the premature termination of the protein at amino acid 127/797 (coding exon 1/1). This variant is absent from gnomAD and ExAC, suggesting it is not a common benign variant in the populations represented in these databases. Given the deleterious nature of the c.379C>T (p.Gln127Ter) variant, its absence in population databases, and its previous report in a similarly affected individual, it is reported here as Likely Pathogenic.

OMIM
Classification: Pathogenic for NEURODEVELOPMENTAL DISORDER WITH REGRESSION, ABNORMAL MOVEMENTS, LOSS OF SPEECH, AND SEIZURES. Last evaluated: 2018-12-20. Review status: no assertion criteria provided. Collection method: literature only. Allele origin: germline. Not counted in ClinVar's aggregate classification.

Literature cited by the submitters: PubMed 30057031 (cited by New York Genome Center and OMIM).